The following is an entry in ClinVar:

NM_001844.5(COL2A1):c.4422G>A (p.Glu1474=)

Gene: COL2A1 (collagen type II alpha 1 chain; minus strand). Cytogenetic location: 12q13.11.
Variant type: single nucleotide variant.
Coding change: c.4422G>A on transcript NM_001844.5 (MANE Select); coding-DNA position 4422, G replaced by A.
Protein change: p.Glu1474=; no amino-acid change (glutamic acid 1474 retained).
Molecular consequence: synonymous variant.
Genome position (GRCh38, 1-based): chr12:47,973,449, C>T on the plus strand (G>A on the coding strand, the complement: COL2A1 is on the minus strand). VCF-style: chr12-47973449-C-T. GRCh37 (hg19) VCF-style: chr12-48367232-C-T.
Other names: c.4215G>A, p.Glu1405= (NM_033150.3); c.4422G>A (NM_001844.4).
Identifiers: ClinVar variation 1646685 (VCV001646685.11), dbSNP rs369696920, ClinGen allele CA6534454.

ClinVar aggregate classification (germline): Likely benign. Review status: criteria provided, multiple submitters, no conflicts (2 of 4 stars). 3 submissions from 3 submitters: Likely benign (2). 1 of the submissions does not count toward it. Last evaluated 2026-01-21.

Conditions:
COL2A1-related disorder. Also called: COL2A1-related condition; COL2A1-related disorders.

Allele frequency attached by ClinVar (database versions not stated): gnomAD exomes 0.00001 and 0.00003; gnomAD 0.00007 and 0.00008; ESP Exome Variant Server 0.00008; TOPMed 0.00012.
gnomAD v4.1: 33 of 1,614,006 alleles (0.002%); highest among the groups gnomAD compares: African/African-American, 0.031%; no homozygotes.

Submissions (3):

Labcorp Genetics (formerly Invitae), Labcorp
Classification: Likely benign. Last evaluated: 2026-01-21. Review status: criteria provided, single submitter. Criteria: Invitae Variant Classification Sherloc (09022015). Collection method: clinical testing. Allele origin: germline.

Blueprint Genetics
Classification: Likely benign. Last evaluated: 2023-06-15. Review status: criteria provided, single submitter. Criteria: ACMG Guidelines, 2015. Collection method: clinical testing. Allele origin: germline.

PreventionGenetics, part of Exact Sciences
Classification: Likely benign for COL2A1-related condition. Last evaluated: 2019-11-25. Review status: no assertion criteria provided. Collection method: clinical testing. Allele origin: germline. Not counted in ClinVar's aggregate classification.
Comment: This variant is classified as likely benign based on ACMG/AMP sequence variant interpretation guidelines (Richards et al. 2015 PMID: 25741868, with internal and published modifications).